The following is an entry in ClinVar:

NM_213655.5(WNK1):c.2271G>A (p.Pro757=)

Gene: WNK1 (WNK lysine deficient protein kinase 1; plus strand). Cytogenetic location: 12p13.33.
Variant type: single nucleotide variant.
Coding change: c.2271G>A on transcript NM_213655.5 (MANE Plus Clinical); coding-DNA position 2271, G replaced by A.
Protein change: p.Pro757=; no amino-acid change (proline 757 retained).
Molecular consequence: synonymous variant. On other transcripts: intron variant (3).
Genome position (GRCh38, 1-based): chr12:865,241, G>A. VCF-style: chr12-865241-G-A. GRCh37 (hg19) VCF-style: chr12-974407-G-A.
Other names: c.2140-2625G>A (NM_001184985.2); c.2139+2971G>A (NM_018979.4, NM_014823.3).
Identifiers: ClinVar variation 2931536 (VCV002931536.3), dbSNP rs1202520841, ClinGen allele CA603036568.

ClinVar aggregate classification (germline): Uncertain significance (1 of 4 stars; one submission).

Conditions:
Neuropathy, hereditary sensory and autonomic, type 2A (HSAN2A). Also called: ACROOSTEOLYSIS, GIACCAI TYPE; ACROOSTEOLYSIS, NEUROGENIC; MORVAN DISEASE; NEUROPATHY, CONGENITAL SENSORY; NEUROPATHY, HEREDITARY SENSORY RADICULAR, AUTOSOMAL RECESSIVE; NEUROPATHY, HEREDITARY SENSORY, TYPE IIA. Identifiers: Orphanet 970, MedGen C2752089, MONDO:0024309, OMIM 201300.
Pseudohypoaldosteronism type 2C (PHA2C). Also called: Pseudohypoaldosteronism Type IIC. Identifiers: Orphanet 757, Orphanet 88940, MedGen C1840391, MONDO:0013778, OMIM 614492.

Allele frequency attached by ClinVar (database versions not stated): gnomAD exomes 0.00001; TOPMed 0.00002; gnomAD 0.00003.
gnomAD v4.1: 19 of 1,535,738 alleles (0.0012%); highest among the groups gnomAD compares: African/African-American, 0.0069%; no homozygotes.

Submission:

Labcorp Genetics (formerly Invitae), Labcorp
Classification: Uncertain significance for Neuropathy, hereditary sensory and autonomic, type 2A; Pseudohypoaldosteronism type 2C. Last evaluated: 2024-03-18. Review status: criteria provided, single submitter. Criteria: Invitae Variant Classification Sherloc (09022015). Collection method: clinical testing. Allele origin: germline.
Comment: This sequence change affects codon 757 of the WNK1 mRNA. It is a 'silent' change, meaning that it does not change the encoded amino acid sequence of the WNK1 protein. This variant is present in population databases (no rsID available, gnomAD 0.02%). This variant has not been reported in the literature in individuals affected with WNK1-related conditions. Algorithms developed to predict the effect of sequence changes on RNA splicing suggest that this variant may create or strengthen a splice site. In summary, the available evidence is currently insufficient to determine the role of this variant in disease. Therefore, it has been classified as a Variant of Uncertain Significance.